The following is an entry in ClinVar:

ClinVar aggregate classification (germline): Conflicting classifications of pathogenicity. Review status: criteria provided, conflicting classifications (1 of 4 stars). 4 submissions from 4 submitters: Likely pathogenic (2); Uncertain significance (1). 1 of the submissions does not count toward it. Last evaluated 2023-04-11.

Conditions:
Inborn genetic diseases. Identifiers: MedGen C0950123, MeSH D030342.
Charcot-Marie-Tooth disease type 2A2. Also called: CHARCOT-MARIE-TOOTH DISEASE, AXONAL, TYPE 2A2; CHARCOT-MARIE-TOOTH DISEASE, AXONAL, AUTOSOMAL DOMINANT, TYPE 2A2A; CHARCOT-MARIE-TOOTH DISEASE, NEURONAL, TYPE 2A2; HEREDITARY MOTOR AND SENSORY NEUROPATHY IIA2; HMSN IIA2; Charcot-Marie-Tooth Neuropathy Type 2A2. Identifiers: Orphanet 99947, MedGen C4721887, MONDO:0012231, OMIM 609260.
Hereditary motor and sensory neuropathy with optic atrophy. Also called: PERIPHERAL NEUROPATHY AND OPTIC ATROPHY; CHARCOT-MARIE-TOOTH DISEASE, TYPE 6. Identifiers: Orphanet 90120, MedGen C0393807, MONDO:0019551.

Submissions (4):

Athena Diagnostics
Classification: Likely pathogenic. Last evaluated: 2023-04-11. Review status: criteria provided, single submitter. Criteria: Athena Diagnostics Criteria. Collection method: clinical testing. Allele origin: unknown.
Comment: This variant has been identified in multiple unrelated individuals with clinical features associated with autosomal dominant forms of hereditary motor and sensory neuropathy (HMSN) and Charcot-Marie-Tooth disease (CMT). This variant has not been reported in large, multi-ethnic general populations. The variant is located in a region that is considered important for protein function and/or structure.

Ambry Genetics
Classification: Uncertain significance for Inborn genetic diseases. Last evaluated: 2021-04-20. Review status: criteria provided, single submitter. Criteria: Ambry Variant Classification Scheme 2023. Collection method: clinical testing. Allele origin: germline.
Comment: The p.Q276R variant (also known as c.827A>G), located in coding exon 7 of the MFN2 gene, results from an A to G substitution at nucleotide position 827. The glutamine at codon 276 is replaced by arginine, an amino acid with highly similar properties. This variant has been detected in multiple individuals with Charcot-Marie-Tooth disease, including an individual with axonal neuropathy and optic atrophy; however, clinical details were limited (Z&uuml;chner S et al. Ann Neurol, 2006 Feb;59:276-81; Chen CX et al. Clin Genet, 2019 11;96:439-448; Lin S et al. Neurogenetics, 2020 04;21:79-86). This amino acid position is highly conserved in available vertebrate species. In addition, this alteration is predicted to be deleterious by in silico analysis. Since supporting evidence is limited at this time, the clinical significance of this alteration remains unclear.

Institute of Human Genetics, University of Leipzig Medical Center
Classification: Likely pathogenic for Charcot-Marie-Tooth disease type 2A2. Last evaluated: 2019-03-21. Review status: criteria provided, single submitter. Criteria: ACMG Guidelines, 2015. Collection method: clinical testing. Allele origin: germline. Affected: yes. Observed: 1 variant allele.

OMIM
Classification: Pathogenic for NEUROPATHY, HEREDITARY MOTOR AND SENSORY, TYPE VIA. Last evaluated: 2006-02-01. Review status: no assertion criteria provided. Collection method: literature only. Allele origin: germline. Not counted in ClinVar's aggregate classification.

Literature cited by the submitters: PubMed 31832804 (cited by Athena Diagnostics and Ambry Genetics); PubMed 31372974 (cited by Athena Diagnostics and Ambry Genetics); PubMed 30442897 (cited by Athena Diagnostics); PubMed 20008656 (cited by Athena Diagnostics); PubMed 24819634 (cited by Athena Diagnostics); PubMed 26147798 (cited by Athena Diagnostics); PubMed 16437557 (cited by 3 submitters); PubMed 16714318 (cited by Athena Diagnostics).

NM_014874.4(MFN2):c.827A>G (p.Gln276Arg)

Gene: MFN2 (mitofusin 2; plus strand). Cytogenetic location: 1p36.22.
Variant type: single nucleotide variant.
Coding change: c.827A>G on transcript NM_014874.4 (MANE Select); coding-DNA position 827, A replaced by G.
Protein change: p.Gln276Arg; replaces glutamine 276 with arginine.
Molecular consequence: missense variant.
Genome position (GRCh38, 1-based): chr1:12,001,411, A>G. VCF-style: chr1-12001411-A-G. GRCh37 (hg19) VCF-style: chr1-12061468-A-G.
Other names: c.827A>G, p.Gln276Arg (NM_001127660.2); short protein forms Q276R.
Identifiers: ClinVar variation 2277 (VCV000002277.5), dbSNP rs119103264, ClinGen allele CA115466.
Genomic context (GRCh38, chr1:12,001,411, plus strand): 5'-GGCTGTGGGGCCACCTACACTCACTCTGGACACATTTGTTTGGGCTCCAGGTGCGGCGGC[A>G]GCACATGGAGCGTTGTACCAGCTTCCTGGTGGATGAGCTGGGCGTGGTGGATCGATCCCA-3'
Protein context (NP_055689.1, residues 266-286): EPEYMEEVRR[Gln276Arg]HMERCTSFLV